The following is an entry in ClinVar:

ClinVar aggregate classification (germline): Uncertain significance. Review status: criteria provided, multiple submitters, no conflicts (2 of 4 stars). 7 submissions from 7 submitters: Uncertain significance (7). Last evaluated 2025-12-24.

Conditions:
Cardiovascular phenotype. Identifiers: MedGen CN230736.
Cardiac arrhythmia. Also called: Cardiac rhythm disease; Arrhythmia. Identifiers: MedGen C0003811, MONDO:0007263, HP:0011675.
Polymorphic ventricular tachycardia. Identifiers: MedGen C0344432, MONDO:0020575, HP:0031677.
Atrial fibrillation, familial, 3 (ATFB3). Identifiers: MedGen C1837014, MONDO:0011857, OMIM 607554.
Beckwith-Wiedemann syndrome (BWS). Also called: EMG SYNDROME; Exomphalos macroglossia gigantism syndrome. Identifiers: Orphanet 116, MedGen C0004903, MONDO:0007534, OMIM 130650.
Jervell and Lange-Nielsen syndrome 1 (JLNS1). Also called: CARDIOAUDITORY SYNDROME OF JERVELL AND LANGE-NIELSEN; DEAFNESS, CONGENITAL, AND FUNCTIONAL HEART DISEASE; PROLONGED QT INTERVAL IN EKG AND SUDDEN DEATH; SURDO-CARDIAC SYNDROME. Identifiers: Orphanet 768, Orphanet 90647, MedGen C4551509, MONDO:0024540, OMIM 220400.
Short QT syndrome type 2. Identifiers: Orphanet 51083, MedGen C1865019, MONDO:0012313, OMIM 609621.
Long QT syndrome 1 (LQT1). Identifiers: Orphanet 101016, Orphanet 768, MedGen C4551647, MONDO:0100316, OMIM 192500, MONDO:0008646.
Long QT syndrome (LQTS). Identifiers: MedGen C0023976, MeSH D008133, MONDO:0002442. Disease mechanism: loss of function. Inheritance: Various modes of inheritance.

Allele frequency attached by ClinVar (database versions not stated): gnomAD 0.00001; gnomAD exomes 0.00001; TOPMed 0.00003.
gnomAD v4.1: 20 of 1,580,042 alleles (0.0013%); highest among the groups gnomAD compares: Non-Finnish European, 0.0017%; no homozygotes.

Submissions (7):

Labcorp Genetics (formerly Invitae), Labcorp
Classification: Uncertain significance for Long QT syndrome. Last evaluated: 2025-12-24. Review status: criteria provided, single submitter. Criteria: Invitae Variant Classification Sherloc (09022015). Collection method: clinical testing. Allele origin: germline.
Comment: This sequence change replaces glycine, which is neutral and non-polar, with glutamic acid, which is acidic and polar, at codon 635 of the KCNQ1 protein (p.Gly635Glu). This variant is not present in population databases (gnomAD no frequency). This variant has not been reported in the literature in individuals affected with KCNQ1-related conditions. ClinVar contains an entry for this variant (Variation ID: 923807). Invitae Evidence Modeling of protein sequence and biophysical properties (such as structural, functional, and spatial information, amino acid conservation, physicochemical variation, residue mobility, and thermodynamic stability) indicates that this missense variant is not expected to disrupt KCNQ1 protein function with a negative predictive value of 95%. In summary, the available evidence is currently insufficient to determine the role of this variant in disease. Therefore, it has been classified as a Variant of Uncertain Significance.

Color Diagnostics, LLC DBA Color Health
Classification: Uncertain significance for Cardiac arrhythmia. Last evaluated: 2025-07-09. Review status: criteria provided, single submitter. Criteria: ACMG Guidelines, 2015. Collection method: clinical testing. Allele origin: germline.
Comment: This missense variant replaces glycine with glutamic acid at codon 635 of the KCNQ1 protein. Computational prediction is inconclusive regarding the impact of this variant on protein structure and function. To our knowledge, functional studies have not been reported for this variant. This variant has not been reported in individuals affected with KCNQ1-related disorders in the literature. This variant has not been identified in the general population by the Genome Aggregation Database (gnomAD). The available evidence is insufficient to determine the role of this variant in disease conclusively. Therefore, this variant is classified as a Variant of Uncertain Significance.

GeneDx
Classification: Uncertain significance. Last evaluated: 2025-04-14. Review status: criteria provided, single submitter. Criteria: GeneDx Variant Classification Process June 2021. Collection method: clinical testing. Allele origin: germline. Affected: yes.
Comment: Has not been previously published as pathogenic or benign to our knowledge; Not observed at significant frequency in large population cohorts (gnomAD); In silico analysis indicates that this missense variant does not alter protein structure/function

All of Us Research Program, National Institutes of Health
Classification: Uncertain significance for Long QT syndrome. Last evaluated: 2023-12-13. Review status: criteria provided, single submitter. Criteria: ACMG Guidelines, 2015. Collection method: clinical testing. Allele origin: germline. Inheritance: Autosomal dominant inheritance. Observed: 5 variant alleles, 5 heterozygotes.
Comment: This missense variant replaces glycine with glutamic acid at codon 635 of the KCNQ1 protein. Computational prediction is inconclusive regarding the impact of this variant on protein structure and function (internally defined REVEL score threshold 0.5 < inconclusive < 0.7, PMID: 27666373). To our knowledge, functional studies have not been reported for this variant. This variant has not been reported in individuals affected with cardiovascular disorders in the literature. This variant has not been identified in the general population by the Genome Aggregation Database (gnomAD). The available evidence is insufficient to determine the role of this variant in disease conclusively. Therefore, this variant is classified as a Variant of Uncertain Significance.

This study involves interpretation of variants in research participants for the purpose of population health screening. Participant phenotype was not available at the time of variant classification. Additional details can be found in publication PMID: 35346344, PMCID: PMC8962531

Ambry Genetics
Classification: Uncertain significance for Cardiovascular phenotype. Last evaluated: 2023-03-30. Review status: criteria provided, single submitter. Criteria: Ambry Variant Classification Scheme 2023. Collection method: clinical testing. Allele origin: germline.
Comment: The p.G635E variant (also known as c.1904G>A), located in coding exon 16 of the KCNQ1 gene, results from a G to A substitution at nucleotide position 1904. The glycine at codon 635 is replaced by glutamic acid, an amino acid with similar properties. This amino acid position is not well conserved in available vertebrate species. In addition, the in silico prediction for this alteration is inconclusive. Since supporting evidence is limited at this time, the clinical significance of this alteration remains unclear.

Petrovsky National Research Centre of Surgery, The Federal Agency for Scientific Organizations
Classification: Uncertain significance for Polymorphic ventricular tachycardia. Last evaluated: 2023-02-15. Review status: criteria provided, single submitter. Criteria: ACMG Guidelines, 2015. Collection method: clinical testing. Allele origin: germline. Inheritance: Autosomal dominant inheritance. Affected: yes. Observed: 1 heterozygote.
Comment: The c.1904G>A (p.G635E) genetic variant in the KCNQ1 gene is not observed at significant frequency in large population cohorts (gnomAD v3.1.2). ClinVar contains an entry for this variant (Variation ID: 923807). The PM1 criterion is «supporting» according to Walsh R. et al. (PMID: 32893267). Multiple in silico resources predict benign effect of this variant. However, in the absence of the functional studies, we could only classify the c.1904G>A (p.G635E) genetic variant as a variant of uncertain clinical significance.

Fulgent Genetics
Classification: Uncertain significance for Beckwith-Wiedemann syndrome; Long QT syndrome 1; Jervell and Lange-Nielsen syndrome 1; Atrial fibrillation, familial, 3; Short QT syndrome type 2. Last evaluated: 2021-08-30. Review status: criteria provided, single submitter. Criteria: ACMG Guidelines, 2015. Collection method: clinical testing. Allele origin: unknown.

NM_000218.3(KCNQ1):c.1904G>A (p.Gly635Glu)

Genes: KCNQ1 (potassium voltage-gated channel subfamily Q member 1; plus strand), KCNQ1-AS1 (KCNQ1 antisense RNA 1; minus strand). Cytogenetic location: 11p15.4.
Variant type: single nucleotide variant.
Coding change: c.1904G>A on transcript NM_000218.3 (MANE Select); coding-DNA position 1904, G replaced by A.
Protein change: p.Gly635Glu; replaces glycine 635 with glutamic acid.
Molecular consequence: missense variant.
Genome position (GRCh38, 1-based): chr11:2,847,876, G>A. VCF-style: chr11-2847876-G-A. GRCh37 (hg19) VCF-style: chr11-2869106-G-A.
Other names: p.G635E; c.1808G>A, p.Gly603Glu (NM_001406836.1); c.1634G>A, p.Gly545Glu (NM_001406837.1); c.1364G>A, p.Gly455Glu (NM_001406838.1); c.416G>A, p.Gly139Glu (NM_001406839.1); c.1523G>A, p.Gly508Glu (NM_181798.2); short protein forms G635E, G508E, G545E, G603E, G139E, G455E.
Identifiers: ClinVar variation 923807 (VCV000923807.24), dbSNP rs939431028, ClinGen allele CA216345239.
Genomic context (GRCh38, chr11:2,847,876, plus strand): 5'-AGCTGCTCTCCTTGCACGGTGGCAGCACCCCCGGCAGCGGCGGCCCCCCCAGAGAGGGCG[G>A]GGCCCACATCACCCAGCCCTGCGGCAGTGGCGGCTCCGTCGACCCTGAGCTCTTCCTGCC-3'
Protein context (NP_000209.2, residues 625-645): PGSGGPPREG[Gly635Glu]AHITQPCGSG